The following is an entry in ClinVar:

NM_002519.3(NPAT):c.2612G>A (p.Cys871Tyr)

Gene: NPAT (nuclear protein, coactivator of histone transcription; minus strand). Cytogenetic location: 11q22.3.
Variant type: single nucleotide variant.
Coding change: c.2612G>A on transcript NM_002519.3 (MANE Select); coding-DNA position 2612, G replaced by A.
Protein change: p.Cys871Tyr; replaces cysteine 871 with tyrosine.
Molecular consequence: missense variant.
Genome position (GRCh38, 1-based): chr11:108,172,372, C>T on the plus strand (G>A on the coding strand, the complement: NPAT is on the minus strand). VCF-style: chr11-108172372-C-T. GRCh37 (hg19) VCF-style: chr11-108043099-C-T.
Other names: c.2612G>A, p.Cys871Tyr (NM_001321307.1); short protein forms C871Y.
Identifiers: ClinVar variation 3300642 (VCV003300642.1).
Genomic context (GRCh38, chr11:108,172,372, plus strand): 5'-GGCAACACCACTACATTAGACTGACTTACAGATGTTCCTAACGCTGTTGGATCAGTCACA[C>T]AGGTAGCTATCAGAATGTTATTTGAATTGCCAAAAGCTGTGCTTGTGGCTGGCATCAACT-3'
Protein context (NP_002510.2, residues 861-881): GNSNNILIAT[Cys871Tyr]VTDPTALGTS

ClinVar aggregate classification (germline): Uncertain significance (1 of 4 stars; one submission).

Submission:

Ambry Genetics
Classification: Uncertain significance. Last evaluated: 2024-03-16. Review status: criteria provided, single submitter. Criteria: Ambry Variant Classification Scheme 2023. Collection method: clinical testing. Allele origin: germline.
Comment: The p.C871Y variant (also known as c.2612G>A), located in coding exon 13 of the NPAT gene, results from a G to A substitution at nucleotide position 2612. The cysteine at codon 871 is replaced by tyrosine, an amino acid with highly dissimilar properties. This amino acid position is conserved. In addition, the in silico prediction for this alteration is inconclusive. Based on the available evidence, the clinical significance of this alteration remains unclear.